The following is an entry in ClinVar:

NM_031407.7(HUWE1):c.9799C>T (p.Arg3267Cys)

Gene: HUWE1 (HECT, UBA and WWE domain containing E3 ubiquitin protein ligase 1; minus strand). Cytogenetic location: Xp11.22.
Variant type: single nucleotide variant.
Coding change: c.9799C>T on transcript NM_031407.7 (MANE Select); coding-DNA position 9799, C replaced by T.
Protein change: p.Arg3267Cys; replaces arginine 3267 with cysteine.
Molecular consequence: missense variant.
Genome position (GRCh38, 1-based): chrX:53,549,195, G>A on the plus strand (C>T on the coding strand, the complement: HUWE1 is on the minus strand). VCF-style: chrX-53549195-G-A. GRCh37 (hg19) VCF-style: chrX-53576156-G-A.
Other names: short protein forms R3267C.
Identifiers: ClinVar variation 3604243 (VCV003604243.2).

ClinVar aggregate classification (germline): Uncertain significance (1 of 4 stars; one submission).

gnomAD v4.1: 3 of 1,210,435 alleles (0.00025%); highest among the groups gnomAD compares: Admixed American, 0.0022%; no homozygotes.

Submission:

Labcorp Genetics (formerly Invitae), Labcorp
Classification: Uncertain significance. Last evaluated: 2024-03-15. Review status: criteria provided, single submitter. Criteria: Invitae Variant Classification Sherloc (09022015). Collection method: clinical testing. Allele origin: germline.
Comment: This sequence change replaces arginine, which is basic and polar, with cysteine, which is neutral and slightly polar, at codon 3267 of the HUWE1 protein (p.Arg3267Cys). This variant is present in population databases (no rsID available, gnomAD 0.2%), including at least one homozygous and/or hemizygous individual. This variant has not been reported in the literature in individuals affected with HUWE1-related conditions. Advanced modeling of protein sequence and biophysical properties (such as structural, functional, and spatial information, amino acid conservation, physicochemical variation, residue mobility, and thermodynamic stability) has been performed at Invitae for this missense variant, however the output from this modeling did not meet the statistical confidence thresholds required to predict the impact of this variant on HUWE1 protein function. In summary, the available evidence is currently insufficient to determine the role of this variant in disease. Therefore, it has been classified as a Variant of Uncertain Significance.